The following is an entry in ClinVar:

ClinVar aggregate classification (germline): Uncertain significance (1 of 4 stars; one submission).

Conditions:
Hereditary cancer-predisposing syndrome. Also called: Neoplastic Syndromes, Hereditary; Tumor predisposition; Hereditary Cancer Syndrome; Hereditary neoplastic syndrome. Identifiers: Orphanet 140162, MedGen C0027672, MeSH D009386, MONDO:0015356.

Allele frequency attached by ClinVar (database versions not stated): gnomAD exomes below 0.00001.
gnomAD v4.1: 1 of 1,614,192 alleles (0.000062%); highest among the groups gnomAD compares: South Asian, 0.0011%; no homozygotes.

Submission:

Ambry Genetics
Classification: Uncertain significance for Hereditary cancer-predisposing syndrome. Last evaluated: 2019-05-02. Review status: criteria provided, single submitter. Criteria: Ambry Variant Classification Scheme 2023. Collection method: clinical testing. Allele origin: germline.
Comment: The p.A737T variant (also known as c.2209G>A), located in coding exon 4 of the MSH6 gene, results from a G to A substitution at nucleotide position 2209. The alanine at codon 737 is replaced by threonine, an amino acid with similar properties. This amino acid position is not well conserved in available vertebrate species. In addition, the in silico prediction for this alteration is inconclusive. In addition, the CoDP in silico tool predicts this alteration to have minor impact on molecular function, with a score of 0.542 (Terui H et al. J. Biomed. Sci. 2013 Apr;20:25). Since supporting evidence is limited at this time, the clinical significance of this alteration remains unclear.

NM_000179.3(MSH6):c.2209G>A (p.Ala737Thr)

Gene: MSH6 (mutS homolog 6; plus strand). Cytogenetic location: 2p16.3.
Variant type: single nucleotide variant.
Coding change: c.2209G>A on transcript NM_000179.3 (MANE Select); coding-DNA position 2209, G replaced by A.
Protein change: p.Ala737Thr; replaces alanine 737 with threonine.
Molecular consequence: missense variant.
Genome position (GRCh38, 1-based): chr2:47,800,192, G>A. VCF-style: chr2-47800192-G-A. GRCh37 (hg19) VCF-style: chr2-48027331-G-A.
Other names: c.1819G>A, p.Ala607Thr (NM_001281492.2); c.1303G>A, p.Ala435Thr (NM_001281493.2, NM_001281494.2, NM_001406811.1 and 6 more transcripts); c.2305G>A, p.Ala769Thr (NM_001406795.1, NM_001406802.1); c.2209G>A, p.Ala737Thr (NM_001406796.1, NM_001406798.1, NM_001406800.1 and 3 more transcripts); c.1912G>A, p.Ala638Thr (NM_001406797.1, NM_001406801.1, NM_001406805.1 and 10 more transcripts); c.1684G>A, p.Ala562Thr (NM_001406799.1, NM_001406806.1, NM_001406807.1); c.2131G>A, p.Ala711Thr (NM_001406804.1); c.2215G>A, p.Ala739Thr (NM_001406813.1); and 1 more; short protein forms A681T, A711T, A562T, A638T, A739T, A769T, A435T, A607T.
Identifiers: ClinVar variation 1787732 (VCV001787732.2), dbSNP rs2104394211, ClinGen allele CA346751409.